The following is an entry in ClinVar:

ClinVar aggregate classification (germline): Uncertain significance (1 of 4 stars; one submission).

Submission:

Labcorp Genetics (formerly Invitae), Labcorp
Classification: Uncertain significance. Last evaluated: 2024-11-05. Review status: criteria provided, single submitter. Criteria: Invitae Variant Classification Sherloc (09022015). Collection method: clinical testing. Allele origin: germline.
Comment: This sequence change replaces isoleucine, which is neutral and non-polar, with threonine, which is neutral and polar, at codon 320 of the CNGA3 protein (p.Ile320Thr). This variant is not present in population databases (gnomAD no frequency). This variant has not been reported in the literature in individuals affected with CNGA3-related conditions. ClinVar contains an entry for this variant (Variation ID: 2079889). Invitae Evidence Modeling of protein sequence and biophysical properties (such as structural, functional, and spatial information, amino acid conservation, physicochemical variation, residue mobility, and thermodynamic stability) has been performed for this missense variant. However, the output from this modeling did not meet the statistical confidence thresholds required to predict the impact of this variant on CNGA3 protein function. In summary, the available evidence is currently insufficient to determine the role of this variant in disease. Therefore, it has been classified as a Variant of Uncertain Significance.

NM_001298.3(CNGA3):c.959T>C (p.Ile320Thr)

Gene: CNGA3 (cyclic nucleotide gated channel subunit alpha 3; plus strand). Cytogenetic location: 2q11.2.
Variant type: single nucleotide variant.
Coding change: c.959T>C on transcript NM_001298.3 (MANE Select); coding-DNA position 959, T replaced by C.
Protein change: p.Ile320Thr; replaces isoleucine 320 with threonine.
Molecular consequence: missense variant.
Genome position (GRCh38, 1-based): chr2:98,396,129, T>C. VCF-style: chr2-98396129-T-C. GRCh37 (hg19) VCF-style: chr2-99012592-T-C.
Other names: c.905T>C, p.Ile302Thr (NM_001079878.2); short protein forms I302T, I320T.
Identifiers: ClinVar variation 2079889 (VCV002079889.4), dbSNP rs2467028683, ClinGen allele CA347832517.